The following is an entry in ClinVar:

NM_006922.4(SCN3A):c.5437C>G (p.Leu1813Val)

Gene: SCN3A (sodium voltage-gated channel alpha subunit 3; minus strand). Cytogenetic location: 2q24.3.
Variant type: single nucleotide variant.
Coding change: c.5437C>G on transcript NM_006922.4 (MANE Select); coding-DNA position 5437, C replaced by G.
Protein change: p.Leu1813Val; replaces leucine 1813 with valine.
Molecular consequence: missense variant.
Genome position (GRCh38, 1-based): chr2:165,090,716, G>C on the plus strand (C>G on the coding strand, the complement: SCN3A is on the minus strand). VCF-style: chr2-165090716-G-C. GRCh37 (hg19) VCF-style: chr2-165947226-G-C.
Other names: c.5290C>G, p.Leu1764Val (NM_001081676.2, NM_001081677.2); short protein forms L1813V, L1764V.
Identifiers: ClinVar variation 959453 (VCV000959453.10), dbSNP rs566709817, ClinGen allele CA1938404.

ClinVar aggregate classification (germline): Uncertain significance (1 of 4 stars; one submission).

Allele frequency attached by ClinVar (database versions not stated): gnomAD exomes below 0.00001; gnomAD 0.00001 and 0.00002; ExAC 0.00002; TOPMed 0.00006; 1000 Genomes Project 30x 0.00031; 1000 Genomes Project 0.00040.
gnomAD v4.1: 4 of 1,614,046 alleles (0.00025%); highest among the groups gnomAD compares: Admixed American, 0.005%; no homozygotes.

Submission:

Labcorp Genetics (formerly Invitae), Labcorp
Classification: Uncertain significance. Last evaluated: 2025-06-18. Review status: criteria provided, single submitter. Criteria: Invitae Variant Classification Sherloc (09022015). Collection method: clinical testing. Allele origin: germline.
Comment: This sequence change replaces leucine, which is neutral and non-polar, with valine, which is neutral and non-polar, at codon 1813 of the SCN3A protein (p.Leu1813Val). This variant is present in population databases (rs566709817, gnomAD 0.006%). This variant has not been reported in the literature in individuals affected with SCN3A-related conditions. ClinVar contains an entry for this variant (Variation ID: 959453). Invitae Evidence Modeling of protein sequence and biophysical properties (such as structural, functional, and spatial information, amino acid conservation, physicochemical variation, residue mobility, and thermodynamic stability) has been performed for this missense variant. However, the output from this modeling did not meet the statistical confidence thresholds required to predict the impact of this variant on SCN3A protein function. In summary, the available evidence is currently insufficient to determine the role of this variant in disease. Therefore, it has been classified as a Variant of Uncertain Significance.